The following is an entry in ClinVar:

ClinVar aggregate classification (germline): Uncertain significance. Review status: criteria provided, multiple submitters, no conflicts (2 of 4 stars). 3 submissions from 3 submitters: Uncertain significance (3). Last evaluated 2024-02-17.

Conditions:
Inborn genetic diseases. Identifiers: MedGen C0950123, MeSH D030342.

Allele frequency attached by ClinVar (database versions not stated): gnomAD exomes below 0.00001 and 0.00001; gnomAD 0.00001; TOPMed 0.00002.
gnomAD v4.1: 24 of 1,613,978 alleles (0.0015%); highest among the groups gnomAD compares: Non-Finnish European, 0.0018%; no homozygotes.

Submissions (3):

Labcorp Genetics (formerly Invitae), Labcorp
Classification: Uncertain significance. Last evaluated: 2024-02-17. Review status: criteria provided, single submitter. Criteria: Invitae Variant Classification Sherloc (09022015). Collection method: clinical testing. Allele origin: germline.
Comment: This sequence change replaces arginine, which is basic and polar, with lysine, which is basic and polar, at codon 703 of the AGBL5 protein (p.Arg703Lys). This variant is present in population databases (no rsID available, gnomAD 0.0009%). This variant has not been reported in the literature in individuals affected with AGBL5-related conditions. ClinVar contains an entry for this variant (Variation ID: 855713). An algorithm developed to predict the effect of missense changes on protein structure and function (PolyPhen-2) suggests that this variant is likely to be tolerated. In summary, the available evidence is currently insufficient to determine the role of this variant in disease. Therefore, it has been classified as a Variant of Uncertain Significance.

Ambry Genetics
Classification: Uncertain significance for Inborn genetic diseases. Last evaluated: 2023-04-26. Review status: criteria provided, single submitter. Criteria: Ambry Variant Classification Scheme 2023. Collection method: clinical testing. Allele origin: germline.

Blueprint Genetics
Classification: Uncertain significance. Last evaluated: 2019-07-04. Review status: criteria provided, single submitter. Criteria: ACMG Guidelines, 2015. Collection method: clinical testing. Allele origin: germline.

NM_021831.6(AGBL5):c.2108G>A (p.Arg703Lys)

Gene: AGBL5 (AGBL carboxypeptidase 5; plus strand). Cytogenetic location: 2p23.3.
Variant type: single nucleotide variant.
Coding change: c.2108G>A on transcript NM_021831.6 (MANE Select); coding-DNA position 2108, G replaced by A.
Protein change: p.Arg703Lys; replaces arginine 703 with lysine.
Molecular consequence: missense variant. On other transcripts: non-coding transcript variant (2).
Genome position (GRCh38, 1-based): chr2:27,067,512, G>A. VCF-style: chr2-27067512-G-A. GRCh37 (hg19) VCF-style: chr2-27290380-G-A.
Other names: short protein forms R703K.
Identifiers: ClinVar variation 855713 (VCV000855713.14), dbSNP rs1301560632, ClinGen allele CA346140701.